The following is an entry in ClinVar:

NM_001199138.2(NLRC4):c.2505T>G (p.Asn835Lys)

Gene: NLRC4 (NLR family CARD domain containing 4; minus strand). Cytogenetic location: 2p22.3.
Variant type: single nucleotide variant.
Coding change: c.2505T>G on transcript NM_001199138.2 (MANE Select); coding-DNA position 2505, T replaced by G.
Protein change: p.Asn835Lys; replaces asparagine 835 with lysine.
Molecular consequence: missense variant.
Genome position (GRCh38, 1-based): chr2:32,238,148, A>C on the plus strand (T>G on the coding strand, the complement: NLRC4 is on the minus strand). VCF-style: chr2-32238148-A-C. GRCh37 (hg19) VCF-style: chr2-32463217-A-C.
Other names: c.2505T>G, p.Asn835Lys (NM_001199139.2, NM_021209.5); c.510T>G, p.Asn170Lys (NM_001302504.2); short protein forms N170K, N835K.
Identifiers: ClinVar variation 4793923 (VCV004793923.1).

ClinVar aggregate classification (germline): Uncertain significance (1 of 4 stars; one submission).

Conditions:
Periodic fever-infantile enterocolitis-autoinflammatory syndrome. Also called: Autoinflammation with infantile enterocolitis. Identifiers: Orphanet 436166, MedGen C4015067, MONDO:0014472, OMIM 616050.
Familial cold autoinflammatory syndrome 4 (FCAS4). Identifiers: Orphanet 47045, Orphanet 576349, MedGen C4015276, MONDO:0014498, OMIM 616115.

Submission:

Labcorp Genetics (formerly Invitae), Labcorp
Classification: Uncertain significance for Periodic fever-infantile enterocolitis-autoinflammatory syndrome; Familial cold autoinflammatory syndrome 4. Last evaluated: 2025-05-15. Review status: criteria provided, single submitter. Criteria: Invitae Variant Classification Sherloc (09022015). Collection method: clinical testing. Allele origin: germline.
Comment: This sequence change replaces asparagine, which is neutral and polar, with lysine, which is basic and polar, at codon 835 of the NLRC4 protein (p.Asn835Lys). This variant is not present in population databases (gnomAD no frequency). This variant has not been reported in the literature in individuals affected with NLRC4-related conditions. Invitae Evidence Modeling of protein sequence and biophysical properties (such as structural, functional, and spatial information, amino acid conservation, physicochemical variation, residue mobility, and thermodynamic stability) indicates that this missense variant is not expected to disrupt NLRC4 protein function with a negative predictive value of 80%. In summary, the available evidence is currently insufficient to determine the role of this variant in disease. Therefore, it has been classified as a Variant of Uncertain Significance.